The following is an entry in ClinVar:

NM_002691.4(POLD1):c.3120+12G>A

Gene: POLD1 (DNA polymerase delta 1, catalytic subunit; plus strand). Cytogenetic location: 19q13.33.
Variant type: single nucleotide variant.
Coding change: c.3120+12G>A on transcript NM_002691.4 (MANE Select); 12 bases into the intron after coding-DNA position 3120, G replaced by A.
Molecular consequence: intron variant.
Genome position (GRCh38, 1-based): chr19:50,417,109, G>A. VCF-style: chr19-50417109-G-A. GRCh37 (hg19) VCF-style: chr19-50920366-G-A.
Other names: c.3120+12G>A (LRG_785t1, NM_001256849.1); c.3198+12G>A (NM_001308632.1, LRG_785t2).
Identifiers: ClinVar variation 372047 (VCV000372047.15), dbSNP rs182231620, ClinGen allele CA9596753.

ClinVar aggregate classification (germline): Benign/Likely benign. Review status: criteria provided, multiple submitters, no conflicts (2 of 4 stars). 7 submissions from 7 submitters: Benign (2); Likely benign (4). 1 of the submissions does not count toward it. Last evaluated 2026-02-03.

Conditions:
Hereditary cancer-predisposing syndrome. Also called: Neoplastic Syndromes, Hereditary; Hereditary neoplastic syndrome; Hereditary Cancer Syndrome; Tumor predisposition. Identifiers: Orphanet 140162, MedGen C0027672, MeSH D009386, MONDO:0015356.
Mandibular hypoplasia-deafness-progeroid syndrome. Also called: Mandibular hypoplasia, deafness, progeroid features, and lipodystrophy syndrome. Identifiers: Orphanet 363649, MedGen C3715192, MONDO:0014157, OMIM 615381.
POLD1-related polyposis and colorectal cancer syndrome (CRCS10). Also called: Colorectal cancer, susceptibility to, 10; Colorectal cancer 10; COLORECTAL CANCER, SUSCEPTIBILITY TO, ON CHROMOSOME 19q. Identifiers: Orphanet 220460, MedGen C2675481, MONDO:0012953, OMIM 612591.

Allele frequency attached by ClinVar (database versions not stated): gnomAD exomes 0.00020; ExAC 0.00030; ESP Exome Variant Server 0.00070; gnomAD 0.00094 and 0.00089; TOPMed 0.00094; 1000 Genomes Project 30x 0.00094; 1000 Genomes Project 0.00100.
gnomAD v4.1: 271 of 1,564,622 alleles (0.017%); highest among the groups gnomAD compares: African/African-American, 0.32%; 1 homozygote.

Submissions (7):

Labcorp Genetics (formerly Invitae), Labcorp
Classification: Benign for POLD1-related polyposis and colorectal cancer syndrome. Last evaluated: 2026-02-03. Review status: criteria provided, single submitter. Criteria: Invitae Variant Classification Sherloc (09022015). Collection method: clinical testing. Allele origin: germline.

Center for Genomic Medicine, Rigshospitalet, Copenhagen University Hospital
Classification: Likely benign. Last evaluated: 2025-03-04. Review status: criteria provided, single submitter. Criteria: ACMG Guidelines, 2015. Collection method: clinical testing. Allele origin: germline.

Blueprint Genetics
Classification: Likely benign. Last evaluated: 2024-09-09. Review status: criteria provided, single submitter. Criteria: ACMG Guidelines, 2015. Collection method: clinical testing. Allele origin: germline.

Department of Pathology and Laboratory Medicine, Sinai Health System
Classification: Likely benign for mandibular hypoplasia-deafness-progeroid syndrome. Last evaluated: 2023-10-03. Review status: criteria provided, single submitter. Criteria: ACMG Guidelines, 2015. Collection method: clinical testing. Allele origin: germline. Affected: yes.

Sema4
Classification: Benign for Hereditary cancer-predisposing syndrome. Last evaluated: 2020-12-18. Review status: criteria provided, single submitter. Criteria: Sema4 Curation Guidelines. Collection method: curation. Allele origin: germline.

GeneDx
Classification: Likely benign. Last evaluated: 2017-08-18. Review status: criteria provided, single submitter. Criteria: GeneDx Variant Classification (06012015). Collection method: clinical testing. Allele origin: germline. Affected: yes.
Comment: This variant is considered likely benign or benign based on one or more of the following criteria: it is a conservative change, it occurs at a poorly conserved position in the protein, it is predicted to be benign by multiple in silico algorithms, and/or has population frequency not consistent with disease.

Counsyl
Classification: Likely benign for POLD1-related polyposis and colorectal cancer syndrome. Last evaluated: 2016-10-27. Review status: no assertion criteria provided. Collection method: clinical testing. Allele origin: unknown. Not counted in ClinVar's aggregate classification.